The following is an entry in ClinVar:

ClinVar aggregate classification (germline): Benign (1 of 4 stars; one submission).

Conditions:
Landau-Kleffner syndrome (FESD). Also called: EPILEPSY, FOCAL, WITH SPEECH DISORDER AND WITH OR WITHOUT MENTAL RETARDATION; APHASIA, ACQUIRED, WITH EPILEPSY. Identifiers: Orphanet 1945, Orphanet 725, Orphanet 98818, MedGen C0282512, MONDO:0009509, OMIM 245570.

Allele frequency attached by ClinVar (database versions not stated): gnomAD 0.00071 and 0.00100; 1000 Genomes Project 30x 0.00609; 1000 Genomes Project 0.00719; TOPMed 0.00118.
gnomAD v4.1: 420 of 230,952 alleles (0.18%); highest among the groups gnomAD compares: East Asian, 2.4%; 5 homozygotes.

Submission:

Illumina Laboratory Services, Illumina
Classification: Benign for Landau-Kleffner syndrome. Last evaluated: 2018-01-13. Review status: criteria provided, single submitter. Criteria: ICSL Variant Classification Criteria 13 December 2019. Collection method: clinical testing. Allele origin: germline.
Comment: This variant was observed in the ICSL laboratory as part of a predisposition screen in an ostensibly healthy population. It had not been previously curated by ICSL or reported in the Human Gene Mutation Database (HGMD: prior to June 1st, 2018), and was therefore a candidate for classification through an automated scoring system. Utilizing variant allele frequency, disease prevalence and penetrance estimates, and inheritance mode, an automated score was calculated to assess if this variant is too frequent to cause the disease. Based on the score and internal cut-off values, a variant classified as benign is not then subjected to further curation. The score for this variant resulted in a classification of benign for this disease.

NM_001134407.3(GRIN2A):c.*1684A>C

Gene: GRIN2A (glutamate ionotropic receptor NMDA type subunit 2A; minus strand). Cytogenetic location: 16p13.2.
Variant type: single nucleotide variant.
Coding change: c.*1684A>C on transcript NM_001134407.3 (MANE Select); 1684 bases downstream of the stop codon, A replaced by C.
Molecular consequence: 3 prime UTR variant.
Genome position (GRCh38, 1-based): chr16:9,761,465, T>G on the plus strand (A>C on the coding strand, the complement: GRIN2A is on the minus strand). VCF-style: chr16-9761465-T-G. GRCh37 (hg19) VCF-style: chr16-9855322-T-G.
Other names: c.*1684A>C (NM_000833.5); c.*1890A>C (NM_001134408.2).
Identifiers: ClinVar variation 321576 (VCV000321576.5), dbSNP rs117255813, ClinGen allele CA10648488.
Genomic context (GRCh38, chr16:9,761,465, plus strand): 5'-ACATTAGCTTAGTGTTTCCGTAATGGCCCAAAACAGACTGAGGTCTTCTGCAAACACTGA[T>G]GGCTAGTTATCCCAAATACTTCAAAAATATTCATGTACATGAAATACACTAATTAACAGA-3'